The following is an entry in ClinVar:

ClinVar aggregate classification (germline): Uncertain significance (1 of 4 stars; one submission).

Conditions:
Charcot-Marie-Tooth disease type 4B3. Also called: CHARCOT-MARIE-TOOTH DISEASE, DEMYELINATING, TYPE 4B3; Charcot-Marie-Tooth Neuropathy Type 4B3. Identifiers: Orphanet 363981, MedGen C3695063, MONDO:0014117, OMIM 615284.

Allele frequency attached by ClinVar (database versions not stated): ExAC 0.00003; gnomAD 0.00003; TOPMed 0.00006.
gnomAD v4.1: 16 of 1,587,944 alleles (0.001%); highest among the groups gnomAD compares: Admixed American, 0.0035%; no homozygotes.

Submission:

Labcorp Genetics (formerly Invitae), Labcorp
Classification: Uncertain significance. Last evaluated: 2022-06-19. Review status: criteria provided, single submitter. Criteria: Invitae Variant Classification Sherloc (09022015). Collection method: clinical testing. Allele origin: germline.
Comment: This sequence change replaces arginine, which is basic and polar, with cysteine, which is neutral and slightly polar, at codon 1346 of the SBF1 protein (p.Arg1346Cys). The frequency data for this variant in the population databases is considered unreliable, as metrics indicate poor data quality at this position in the gnomAD database. This variant has not been reported in the literature in individuals affected with SBF1-related conditions. Algorithms developed to predict the effect of missense changes on protein structure and function are either unavailable or do not agree on the potential impact of this missense change (SIFT: "Deleterious"; PolyPhen-2: "Possibly Damaging"; Align-GVGD: "Class C0"). In summary, the available evidence is currently insufficient to determine the role of this variant in disease. Therefore, it has been classified as a Variant of Uncertain Significance.

NM_002972.4(SBF1):c.4036C>T (p.Arg1346Cys)

Gene: SBF1 (SET binding factor 1; minus strand). Cytogenetic location: 22q13.33.
Variant type: single nucleotide variant.
Coding change: c.4036C>T on transcript NM_002972.4 (MANE Select); coding-DNA position 4036, C replaced by T.
Protein change: p.Arg1346Cys; replaces arginine 1346 with cysteine.
Molecular consequence: missense variant.
Genome position (GRCh38, 1-based): chr22:50,456,542, G>A on the plus strand (C>T on the coding strand, the complement: SBF1 is on the minus strand). VCF-style: chr22-50456542-G-A. GRCh37 (hg19) VCF-style: chr22-50894971-G-A.
Other names: c.3961C>T, p.Arg1321Cys (NM_001365819.1); c.4036C>T (NM_002972.3); short protein forms R1346C, R1321C.
Identifiers: ClinVar variation 1500509 (VCV001500509.4), dbSNP rs754583466, ClinGen allele CA10316428.